The following is an entry in ClinVar:

NM_005228.5(EGFR):c.1382T>C (p.Val461Ala)

Gene: EGFR (epidermal growth factor receptor; plus strand). Cytogenetic location: 7p11.2.
Variant type: single nucleotide variant.
Coding change: c.1382T>C on transcript NM_005228.5 (MANE Select); coding-DNA position 1382, T replaced by C.
Protein change: p.Val461Ala; replaces valine 461 with alanine.
Molecular consequence: missense variant.
Genome position (GRCh38, 1-based): chr7:55,160,222, T>C. VCF-style: chr7-55160222-T-C. GRCh37 (hg19) VCF-style: chr7-55227915-T-C.
Other names: c.1247T>C, p.Val416Ala (NM_001346897.2, NM_001346899.2); c.1382T>C, p.Val461Ala (NM_001346898.2, NM_201282.2, NM_201284.2); c.1223T>C, p.Val408Ala (NM_001346900.2); c.581T>C, p.Val194Ala (NM_001346941.2); short protein forms V194A, V408A, V416A, V461A.
Identifiers: ClinVar variation 3605485 (VCV003605485.2).
Genomic context (GRCh38, chr7:55,160,222, plus strand): 5'-TCAGCCTGAACATAACATCCTTGGGATTACGCTCCCTCAAGGAGATAAGTGATGGAGATG[T>C]GATAATTTCAGGAAACAAAAATTTGTGCTATGCAAATACAATAAACTGGAAAAAACTGTT-3'
Protein context (NP_005219.2, residues 451-471): RSLKEISDGD[Val461Ala]IISGNKNLCY

ClinVar aggregate classification (germline): Uncertain significance (1 of 4 stars; one submission).

Conditions:
EGFR-related lung cancer (EGFR). Identifiers: MedGen CN130014.

Submission:

Labcorp Genetics (formerly Invitae), Labcorp
Classification: Uncertain significance for EGFR-related lung cancer. Last evaluated: 2024-10-30. Review status: criteria provided, single submitter. Criteria: Invitae Variant Classification Sherloc (09022015). Collection method: clinical testing. Allele origin: germline.
Comment: This sequence change replaces valine, which is neutral and non-polar, with alanine, which is neutral and non-polar, at codon 461 of the EGFR protein (p.Val461Ala). This variant is not present in population databases (gnomAD no frequency). This variant has not been reported in the literature in individuals affected with EGFR-related conditions. Invitae Evidence Modeling of protein sequence and biophysical properties (such as structural, functional, and spatial information, amino acid conservation, physicochemical variation, residue mobility, and thermodynamic stability) indicates that this missense variant is not expected to disrupt EGFR protein function with a negative predictive value of 80%. In summary, the available evidence is currently insufficient to determine the role of this variant in disease. Therefore, it has been classified as a Variant of Uncertain Significance.